The following is an entry in ClinVar:

ClinVar aggregate classification (germline): Uncertain significance. Review status: criteria provided, multiple submitters, no conflicts (2 of 4 stars). 3 submissions from 3 submitters: Uncertain significance (3). Last evaluated 2026-08-07.

Conditions:
Multiple endocrine neoplasia, type 1 (MEN1). Also called: MEA I; MEN I; WERMER SYNDROME; Endocrine adenomatosis multiple; MEN 1. Identifiers: Orphanet 652, MedGen C0025267, MeSH D018761, MONDO:0007540, OMIM 131100.
Hereditary cancer-predisposing syndrome. Also called: Neoplastic Syndromes, Hereditary; Hereditary neoplastic syndrome; Hereditary Cancer Syndrome; Tumor predisposition. Identifiers: Orphanet 140162, MedGen C0027672, MeSH D009386, MONDO:0015356.

Allele frequency attached by ClinVar (database versions not stated): gnomAD exomes below 0.00001; ExAC 0.00001; gnomAD 0.00001; TOPMed 0.00002.
gnomAD v4.1: 8 of 1,613,930 alleles (0.0005%); highest among the groups gnomAD compares: African/African-American, 0.0053%; no homozygotes.

Submissions (3):

Ambry Genetics
Classification: Uncertain significance for Hereditary cancer-predisposing syndrome. Last evaluated: 2026-08-07. Review status: criteria provided, single submitter. Criteria: Ambry Variant Classification Scheme 2023. Collection method: clinical testing. Allele origin: germline.
Comment: The p.A411T variant (also known as c.1231G>A), located in coding exon 8 of the MEN1 gene, results from a G to A substitution at nucleotide position 1231. The alanine at codon 411 is replaced by threonine, an amino acid with similar properties. This amino acid position is highly conserved in available vertebrate species. In addition, this alteration is predicted to be deleterious by in silico analysis. Based on the available evidence, the clinical significance of this variant remains unclear.

All of Us Research Program, National Institutes of Health
Classification: Uncertain significance for Multiple endocrine neoplasia, type 1. Last evaluated: 2024-03-24. Review status: criteria provided, single submitter. Criteria: ACMG Guidelines, 2015. Collection method: clinical testing. Allele origin: germline. Inheritance: Autosomal dominant inheritance. Observed: 1 variant allele, 1 heterozygote.
Comment: This missense variant replaces alanine with threonine at codon 411 of the MEN1 protein. Computational prediction suggests that this variant may have deleterious impact on protein structure and function (internally defined REVEL score threshold >= 0.7, PMID: 27666373). To our knowledge, functional studies have not been reported for this variant. This variant has not been reported in individuals affected with MEN1-related disorders in the literature. This variant has been identified in 1/251050 chromosomes in the general population by the Genome Aggregation Database (gnomAD). The available evidence is insufficient to determine the role of this variant in disease conclusively. Therefore, this variant is classified as a Variant of Uncertain Significance.

This study involves interpretation of variants in research participants for the purpose of population health screening. Participant phenotype was not available at the time of variant classification. Additional details can be found in publication PMID: 35346344, PMCID: PMC8962531

Labcorp Genetics (formerly Invitae), Labcorp
Classification: Uncertain significance for Multiple endocrine neoplasia, type 1. Last evaluated: 2023-05-17. Review status: criteria provided, single submitter. Criteria: Invitae Variant Classification Sherloc (09022015). Collection method: clinical testing. Allele origin: germline.
Comment: In summary, the available evidence is currently insufficient to determine the role of this variant in disease. Therefore, it has been classified as a Variant of Uncertain Significance. Advanced modeling of protein sequence and biophysical properties (such as structural, functional, and spatial information, amino acid conservation, physicochemical variation, residue mobility, and thermodynamic stability) performed at Invitae indicates that this missense variant is expected to disrupt MEN1 protein function. ClinVar contains an entry for this variant (Variation ID: 457283). This variant has not been reported in the literature in individuals affected with MEN1-related conditions. The frequency data for this variant in the population databases is considered unreliable, as metrics indicate poor data quality at this position in the gnomAD database. This sequence change replaces alanine, which is neutral and non-polar, with threonine, which is neutral and polar, at codon 411 of the MEN1 protein (p.Ala411Thr).

NM_001370259.2(MEN1):c.1231G>A (p.Ala411Thr)

Gene: MEN1 (menin 1; minus strand). Cytogenetic location: 11q13.1.
Variant type: single nucleotide variant.
Coding change: c.1231G>A on transcript NM_001370259.2 (MANE Select); coding-DNA position 1231, G replaced by A.
Protein change: p.Ala411Thr; replaces alanine 411 with threonine.
Molecular consequence: missense variant.
Genome position (GRCh38, 1-based): chr11:64,805,153, C>T on the plus strand (G>A on the coding strand, the complement: MEN1 is on the minus strand). VCF-style: chr11-64805153-C-T. GRCh37 (hg19) VCF-style: chr11-64572625-C-T.
Other names: c.1246G>A, p.Ala416Thr (NM_000244.4, NM_130800.3, NM_130801.3 and 3 more transcripts); c.1357G>A, p.Ala453Thr (NM_001370251.2); c.1231G>A, p.Ala411Thr (NM_001370260.2, NM_001370261.2, NM_130799.3); c.1126G>A, p.Ala376Thr (NM_001370262.2, NM_001370263.2); short protein forms A411T, A416T, A376T, A453T.
Identifiers: ClinVar variation 457283 (VCV000457283.10), dbSNP rs757179911, ClinGen allele CA060315.